The following is an entry in ClinVar:

NM_001201543.2(FAM161A):c.590A>G (p.Glu197Gly)

Gene: FAM161A (FAM161 centrosomal protein A; minus strand). Cytogenetic location: 2p15.
Variant type: single nucleotide variant.
Coding change: c.590A>G on transcript NM_001201543.2 (MANE Select); coding-DNA position 590, A replaced by G.
Protein change: p.Glu197Gly; replaces glutamic acid 197 with glycine.
Molecular consequence: missense variant. On other transcripts: non-coding transcript variant (1).
Genome position (GRCh38, 1-based): chr2:61,840,414, T>C on the plus strand (A>G on the coding strand, the complement: FAM161A is on the minus strand). VCF-style: chr2-61840414-T-C. GRCh37 (hg19) VCF-style: chr2-62067549-T-C.
Other names: c.590A>G, p.Glu197Gly (NM_032180.3); short protein forms E197G.
Identifiers: ClinVar variation 969821 (VCV000969821.6), dbSNP rs763593903, ClinGen allele CA1679322.

ClinVar aggregate classification (germline): Uncertain significance. Review status: criteria provided, multiple submitters, no conflicts (2 of 4 stars). 3 submissions from 3 submitters: Uncertain significance (2). 1 of the submissions does not count toward it. Last evaluated 2023-04-19.

Conditions:
Inborn genetic diseases. Identifiers: MedGen C0950123, MeSH D030342.
Retinitis pigmentosa 28 (RP28). Identifiers: Orphanet 791, MedGen C1419614, MONDO:0011630, OMIM 606068.

Allele frequency attached by ClinVar (database versions not stated): gnomAD exomes below 0.00001; ExAC 0.00001; gnomAD 0.00001; TOPMed 0.00002.
gnomAD v4.1: 5 of 1,614,046 alleles (0.00031%); highest among the groups gnomAD compares: Admixed American, 0.005%; no homozygotes.

Submissions (3):

Ambry Genetics
Classification: Uncertain significance for Inborn genetic diseases. Last evaluated: 2023-04-19. Review status: criteria provided, single submitter. Criteria: Ambry Variant Classification Scheme 2023. Collection method: clinical testing. Allele origin: germline.

Labcorp Genetics (formerly Invitae), Labcorp
Classification: Uncertain significance. Last evaluated: 2021-11-08. Review status: criteria provided, single submitter. Criteria: Invitae Variant Classification Sherloc (09022015). Collection method: clinical testing. Allele origin: germline.
Comment: This sequence change replaces glutamic acid, which is acidic and polar, with glycine, which is neutral and non-polar, at codon 197 of the FAM161A protein (p.Glu197Gly). This variant is present in population databases (rs763593903, gnomAD 0.004%). This variant has not been reported in the literature in individuals affected with FAM161A-related conditions. ClinVar contains an entry for this variant (Variation ID: 969821). Algorithms developed to predict the effect of missense changes on protein structure and function are either unavailable or do not agree on the potential impact of this missense change (SIFT: "Tolerated"; PolyPhen-2: "Possibly Damaging"; Align-GVGD: "Class C0"). In summary, the available evidence is currently insufficient to determine the role of this variant in disease. Therefore, it has been classified as a Variant of Uncertain Significance.

Natera, Inc.
Classification: Uncertain significance for Retinitis pigmentosa type 28. Last evaluated: 2020-10-08. Review status: no assertion criteria provided. Collection method: clinical testing. Allele origin: germline. Not counted in ClinVar's aggregate classification.